The following is an entry in ClinVar:

ClinVar aggregate classification (germline): Uncertain significance (1 of 4 stars; one submission).

Conditions:
Familial thoracic aortic aneurysm and aortic dissection (TAAD). Also called: Thoracic aortic aneurysms and dissections. Identifiers: Orphanet 91387, MedGen C4707243, MONDO:0019625.

Allele frequency attached by ClinVar (database versions not stated): ExAC 0.00001.
gnomAD v4.1: 2 of 1,612,992 alleles (0.00012%); highest among the groups gnomAD compares: African/African-American, 0.0013%; no homozygotes.

Submission:

Ambry Genetics
Classification: Uncertain significance for Familial thoracic aortic aneurysm and aortic dissection. Last evaluated: 2023-12-22. Review status: criteria provided, single submitter. Criteria: Ambry Variant Classification Scheme 2023. Collection method: clinical testing. Allele origin: germline.
Comment: The p.A8S variant (also known as c.22G>T), located in coding exon 1 of the TGFB2 gene, results from a G to T substitution at nucleotide position 22. The alanine at codon 8 is replaced by serine, an amino acid with similar properties. This amino acid position is conserved. In addition, this alteration is predicted to be tolerated by in silico analysis. Since supporting evidence is limited at this time, the clinical significance of this alteration remains unclear.

NM_003238.6(TGFB2):c.22G>T (p.Ala8Ser)

Gene: TGFB2 (transforming growth factor beta 2; plus strand). Cytogenetic location: 1q41.
Variant type: single nucleotide variant.
Coding change: c.22G>T on transcript NM_003238.6 (MANE Select); coding-DNA position 22, G replaced by T.
Protein change: p.Ala8Ser; replaces alanine 8 with serine.
Molecular consequence: missense variant. On other transcripts: non-coding transcript variant (2).
Genome position (GRCh38, 1-based): chr1:218,346,723, G>T. VCF-style: chr1-218346723-G-T. GRCh37 (hg19) VCF-style: chr1-218520065-G-T.
Other names: c.22G>T, p.Ala8Ser (NM_001135599.4); short protein forms A8S.
Identifiers: ClinVar variation 3223143 (VCV003223143.1), dbSNP rs752870701, ClinGen allele CA1398362.